The following is an entry in ClinVar:

NM_024675.4(PALB2):c.784C>G (p.Leu262Val)

Gene: PALB2 (partner and localizer of BRCA2; minus strand). Cytogenetic location: 16p12.2.
Variant type: single nucleotide variant.
Coding change: c.784C>G on transcript NM_024675.4 (MANE Select); coding-DNA position 784, C replaced by G.
Protein change: p.Leu262Val; replaces leucine 262 with valine.
Molecular consequence: missense variant.
Genome position (GRCh38, 1-based): chr16:23,635,762, G>C on the plus strand (C>G on the coding strand, the complement: PALB2 is on the minus strand). VCF-style: chr16-23635762-G-C. GRCh37 (hg19) VCF-style: chr16-23647083-G-C.
Other names: short protein forms L262V.
Identifiers: ClinVar variation 933591 (VCV000933591.11), dbSNP rs1967021118, ClinGen allele CA395136055.
Genomic context (GRCh38, chr16:23,635,762, plus strand): 5'-TAATGTTTTTTAGGTCGTGAGTAGTAAGTTCACTGCTACCTTTAGGAGGAATGTGTTCAA[G>C]GTGCTGACTACTACCGCTATCTGATAGAGTCTGTAAAGGAACTGTAGTCGCCCTGGTGAA-3'
Protein context (NP_078951.2, residues 252-272): TLSDSGSSQH[Leu262Val]EHIPPKGSSE

ClinVar aggregate classification (germline): Uncertain significance. Review status: criteria provided, multiple submitters, no conflicts (2 of 4 stars). 2 submissions from 2 submitters: Uncertain significance (2). Last evaluated 2023-10-13.

Conditions:
Familial cancer of breast. Also called: Hereditary breast cancer; hereditary breast carcinoma; BREAST CANCER, FAMILIAL. Identifiers: Orphanet 227535, MedGen C0346153, MONDO:0016419, OMIM 114480. Disease mechanism: loss of function.
Hereditary cancer-predisposing syndrome. Also called: Neoplastic Syndromes, Hereditary; Hereditary Cancer Syndrome; Hereditary neoplastic syndrome; Tumor predisposition. Identifiers: Orphanet 140162, MedGen C0027672, MeSH D009386, MONDO:0015356.

Submissions (2):

Ambry Genetics
Classification: Uncertain significance for Hereditary cancer-predisposing syndrome. Last evaluated: 2023-10-13. Review status: criteria provided, single submitter. Criteria: Ambry Variant Classification Scheme 2023. Collection method: clinical testing. Allele origin: germline.
Comment: The p.L262V variant (also known as c.784C>G), located in coding exon 4 of the PALB2 gene, results from a C to G substitution at nucleotide position 784. The leucine at codon 262 is replaced by valine, an amino acid with highly similar properties. This amino acid position is conserved. In addition, this alteration is predicted to be tolerated by in silico analysis. Since supporting evidence is limited at this time, the clinical significance of this alteration remains unclear.

Labcorp Genetics (formerly Invitae), Labcorp
Classification: Uncertain significance for Familial cancer of breast. Last evaluated: 2019-07-04. Review status: criteria provided, single submitter. Criteria: Invitae Variant Classification Sherloc (09022015). Collection method: clinical testing. Allele origin: germline.
Comment: This variant is not present in population databases (ExAC no frequency). This sequence change replaces leucine with valine at codon 262 of the PALB2 protein (p.Leu262Val). The leucine residue is moderately conserved and there is a small physicochemical difference between leucine and valine. This variant has not been reported in the literature in individuals with PALB2-related conditions. In summary, the available evidence is currently insufficient to determine the role of this variant in disease. Therefore, it has been classified as a Variant of Uncertain Significance. Algorithms developed to predict the effect of missense changes on protein structure and function are either unavailable or do not agree on the potential impact of this missense change (SIFT: "Deleterious"; PolyPhen-2: "Possibly Damaging"; Align-GVGD: "Class C0").